The following is an entry in ClinVar:

NM_020884.7(MYH7B):c.4062C>T (p.His1354=)

Gene: MYH7B (myosin heavy chain 7B; plus strand). Cytogenetic location: 20q11.22.
Variant type: single nucleotide variant.
Coding change: c.4062C>T on transcript NM_020884.7 (MANE Select); coding-DNA position 4062, C replaced by T.
Protein change: p.His1354=; no amino-acid change (histidine 1354 retained).
Molecular consequence: synonymous variant.
Genome position (GRCh38, 1-based): chr20:34,998,787, C>T. VCF-style: chr20-34998787-C-T. GRCh37 (hg19) VCF-style: chr20-33586590-C-T.
Other names: c.4188C>T (NM_020884.4).
Identifiers: ClinVar variation 2861003 (VCV002861003.4), dbSNP rs372919021, ClinGen allele CA9827988.
Genomic context (GRCh38, chr20:34,998,787, plus strand): 5'-TGCCCTGGCCCACGCCGTGCAGGCTCTGCGGCACGACTGTGACCTCCTGCGGGAGCAACA[C>T]GAGGAGGAGGCTGAGGCCCAGGCTGAGCTGCAGCGGCTGCTGTCCAAGGCCAATGCCGAG-3'
Protein context (NP_065935.4, residues 1344-1364): RHDCDLLREQ[His1354=]EEEAEAQAEL

ClinVar aggregate classification (germline): Likely benign. Review status: criteria provided, multiple submitters, no conflicts (2 of 4 stars). 2 submissions from 2 submitters: Likely benign (2). Last evaluated 2026-02-24.

Conditions:
MYH7B-related disorder. Also called: MYH7B-related condition.

Allele frequency attached by ClinVar (database versions not stated): ExAC 0.00009; gnomAD exomes 0.00011; ESP Exome Variant Server 0.00015; gnomAD 0.00020; TOPMed 0.00022; 1000 Genomes Project 0.00040.
gnomAD v4.1: 192 of 1,613,058 alleles (0.012%); highest among the groups gnomAD compares: African/African-American, 0.029%; 1 homozygote.

Submissions (2):

PreventionGenetics, part of Exact Sciences
Classification: Likely benign for MYH7B-related condition. Last evaluated: 2026-02-24. Review status: criteria provided, single submitter. Criteria: ACMG Guidelines, 2015. Collection method: clinical testing. Allele origin: germline.
Comment: This variant is classified as likely benign based on ACMG/AMP sequence variant interpretation guidelines (Richards et al. 2015 PMID: 25741868, with internal and published modifications).

Labcorp Genetics (formerly Invitae), Labcorp
Classification: Likely benign. Last evaluated: 2023-07-26. Review status: criteria provided, single submitter. Criteria: Invitae Variant Classification Sherloc (09022015). Collection method: clinical testing. Allele origin: germline.